The following is an entry in ClinVar:

NM_002890.3(RASA1):c.91C>A (p.Pro31Thr)

Gene: RASA1 (RAS p21 protein activator 1; plus strand). Cytogenetic location: 5q14.3.
Variant type: single nucleotide variant.
Coding change: c.91C>A on transcript NM_002890.3 (MANE Select); coding-DNA position 91, C replaced by A.
Protein change: p.Pro31Thr; replaces proline 31 with threonine.
Molecular consequence: missense variant.
Genome position (GRCh38, 1-based): chr5:87,268,542, C>A. VCF-style: chr5-87268542-C-A. GRCh37 (hg19) VCF-style: chr5-86564359-C-A.
Other names: short protein forms P31T.
Identifiers: ClinVar variation 1714916 (VCV001714916.7), dbSNP rs899534730, ClinGen allele CA360416762.

ClinVar aggregate classification (germline): Uncertain significance. Review status: criteria provided, multiple submitters, no conflicts (2 of 4 stars). 2 submissions from 2 submitters: Uncertain significance (2). Last evaluated 2024-05-18.

Conditions:
Cardiovascular phenotype. Identifiers: MedGen CN230736.
Capillary malformation-arteriovenous malformation syndrome. Also called: Capillary malformation-arteriovenous malformation. Identifiers: Orphanet 137667, MedGen C1842180, MONDO:0012016.

Submissions (2):

Labcorp Genetics (formerly Invitae), Labcorp
Classification: Uncertain significance for Capillary malformation-arteriovenous malformation syndrome. Last evaluated: 2024-05-18. Review status: criteria provided, single submitter. Criteria: Invitae Variant Classification Sherloc (09022015). Collection method: clinical testing. Allele origin: germline.
Comment: This sequence change replaces proline, which is neutral and non-polar, with threonine, which is neutral and polar, at codon 31 of the RASA1 protein (p.Pro31Thr). This variant is not present in population databases (gnomAD no frequency). This variant has not been reported in the literature in individuals affected with RASA1-related conditions. ClinVar contains an entry for this variant (Variation ID: 1714916). An algorithm developed to predict the effect of missense changes on protein structure and function (PolyPhen-2) suggests that this variant is likely to be disruptive. In summary, the available evidence is currently insufficient to determine the role of this variant in disease. Therefore, it has been classified as a Variant of Uncertain Significance.

Ambry Genetics
Classification: Uncertain significance for Cardiovascular phenotype. Last evaluated: 2023-11-21. Review status: criteria provided, single submitter. Criteria: Ambry Variant Classification Scheme 2023. Collection method: clinical testing. Allele origin: germline.
Comment: The p.P31T variant (also known as c.91C>A), located in coding exon 1 of the RASA1 gene, results from a C to A substitution at nucleotide position 91. The proline at codon 31 is replaced by threonine, an amino acid with highly similar properties. This amino acid position is conserved. In addition, this alteration is predicted to be tolerated by in silico analysis. Since supporting evidence is limited at this time, the clinical significance of this alteration remains unclear.